The following is an entry in ClinVar:

ClinVar aggregate classification (germline): Uncertain significance. Review status: criteria provided, multiple submitters, no conflicts (2 of 4 stars). 2 submissions from 2 submitters: Uncertain significance (2). Last evaluated 2025-11-07.

Conditions:
Inborn genetic diseases. Identifiers: MedGen C0950123, MeSH D030342.
Deficiency of hydroxymethylglutaryl-CoA lyase (HMGCLD). Also called: Defect in leucine metabolism; 3-hydroxy-3-methylglutaric aciduria; HMGCL DEFICIENCY; HYDROXYMETHYLGLUTARIC ACIDURIA; HMG-CoA LYASE DEFICIENCY. Identifiers: Orphanet 20, MedGen C1533587, MONDO:0009520, OMIM 246450.

Allele frequency attached by ClinVar (database versions not stated): gnomAD exomes below 0.00001.
gnomAD v4.1: 1 of 1,559,376 alleles (0.000064%); highest among the groups gnomAD compares: Non-Finnish European, 0.000087%; no homozygotes.

Submissions (2):

Ambry Genetics
Classification: Uncertain significance for Inborn genetic diseases. Last evaluated: 2025-11-07. Review status: criteria provided, single submitter. Criteria: Ambry Variant Classification Scheme 2023. Collection method: clinical testing. Allele origin: germline.

Labcorp Genetics (formerly Invitae), Labcorp
Classification: Uncertain significance for Deficiency of hydroxymethylglutaryl-CoA lyase. Last evaluated: 2022-05-07. Review status: criteria provided, single submitter. Criteria: Invitae Variant Classification Sherloc (09022015). Collection method: clinical testing. Allele origin: germline.
Comment: In summary, the available evidence is currently insufficient to determine the role of this variant in disease. Therefore, it has been classified as a Variant of Uncertain Significance. Algorithms developed to predict the effect of missense changes on protein structure and function (SIFT, PolyPhen-2, Align-GVGD) all suggest that this variant is likely to be tolerated. This sequence change replaces methionine, which is neutral and non-polar, with isoleucine, which is neutral and non-polar, at codon 4 of the HMGCL protein (p.Met4Ile). This variant is not present in population databases (gnomAD no frequency). This variant has not been reported in the literature in individuals affected with HMGCL-related conditions.

NM_000191.3(HMGCL):c.12G>A (p.Met4Ile)

Gene: HMGCL (3-hydroxy-3-methylglutaryl-CoA lyase; minus strand). Cytogenetic location: 1p36.11.
Variant type: single nucleotide variant.
Coding change: c.12G>A on transcript NM_000191.3 (MANE Select); coding-DNA position 12, G replaced by A.
Protein change: p.Met4Ile; replaces methionine 4 with isoleucine.
Molecular consequence: missense variant.
Genome position (GRCh38, 1-based): chr1:23,825,404, C>T on the plus strand (G>A on the coding strand, the complement: HMGCL is on the minus strand). VCF-style: chr1-23825404-C-T. GRCh37 (hg19) VCF-style: chr1-24151894-C-T.
Other names: c.12G>A, p.Met4Ile (NM_001166059.2); c.12G>A (NM_000191.2); short protein forms M4I.
Identifiers: ClinVar variation 1980256 (VCV001980256.5), dbSNP rs1400114765, ClinGen allele CA339031260.